The following is an entry in ClinVar:

NM_001130438.3(SPTAN1):c.1648G>T (p.Ala550Ser)

Gene: SPTAN1 (spectrin alpha, non-erythrocytic 1; plus strand). Cytogenetic location: 9q34.11.
Variant type: single nucleotide variant.
Coding change: c.1648G>T on transcript NM_001130438.3 (MANE Select); coding-DNA position 1648, G replaced by T.
Protein change: p.Ala550Ser; replaces alanine 550 with serine.
Molecular consequence: missense variant.
Genome position (GRCh38, 1-based): chr9:128,582,554, G>T. VCF-style: chr9-128582554-G-T. GRCh37 (hg19) VCF-style: chr9-131344833-G-T.
Other names: c.1648G>T, p.Ala550Ser (NM_001195532.2, NM_001363759.2, NM_001363765.2 and 1 more transcripts); short protein forms A550S.
Identifiers: ClinVar variation 452182 (VCV000452182.15), dbSNP rs371178746, ClinGen allele CA5264458.

ClinVar aggregate classification (germline): Uncertain significance. Review status: criteria provided, multiple submitters, no conflicts (2 of 4 stars). 4 submissions from 4 submitters: Uncertain significance (4). Last evaluated 2025-11-08.

Conditions:
Inborn genetic diseases. Identifiers: MedGen C0950123, MeSH D030342.
Early-infantile DEE. Also called: Early infantile epileptic encephalopathy; Ohtahara syndrome; Early infantile epileptic encephalopathy with suppression bursts. Identifiers: Orphanet 1934, MedGen C0393706, MONDO:0800491.
Developmental and epileptic encephalopathy, 5 (DEE5). Identifiers: Orphanet 3451, MedGen C3150731, MONDO:0013277, OMIM 613477.

Allele frequency attached by ClinVar (database versions not stated): gnomAD exomes 0.00001 and 0.00002; ExAC 0.00002; gnomAD 0.00002; TOPMed 0.00003; ESP Exome Variant Server 0.00008.
gnomAD v4.1: 25 of 1,613,668 alleles (0.0015%); highest among the groups gnomAD compares: African/African-American, 0.004%; no homozygotes.

Submissions (4):

Ambry Genetics
Classification: Uncertain significance for Inborn genetic diseases. Last evaluated: 2025-11-08. Review status: criteria provided, single submitter. Criteria: Ambry Variant Classification Scheme 2023. Collection method: clinical testing. Allele origin: germline.

Labcorp Genetics (formerly Invitae), Labcorp
Classification: Uncertain significance for Early-infantile DEE. Last evaluated: 2025-07-30. Review status: criteria provided, single submitter. Criteria: Invitae Variant Classification Sherloc (09022015). Collection method: clinical testing. Allele origin: germline.
Comment: This sequence change replaces alanine, which is neutral and non-polar, with serine, which is neutral and polar, at codon 550 of the SPTAN1 protein (p.Ala550Ser). This variant is present in population databases (rs371178746, gnomAD 0.007%). This variant has not been reported in the literature in individuals affected with SPTAN1-related conditions. ClinVar contains an entry for this variant (Variation ID: 452182). An algorithm developed to predict the effect of missense changes on protein structure and function (PolyPhen-2) suggests that this variant is likely to be tolerated. In summary, the available evidence is currently insufficient to determine the role of this variant in disease. Therefore, it has been classified as a Variant of Uncertain Significance.

Genome-Nilou Lab
Classification: Uncertain significance for Developmental and epileptic encephalopathy, 5. Last evaluated: 2021-07-15. Review status: criteria provided, single submitter. Criteria: ACMG Guidelines, 2015. Collection method: clinical testing. Allele origin: germline. Affected: no.

GeneDx
Classification: Uncertain significance. Last evaluated: 2017-09-19. Review status: criteria provided, single submitter. Criteria: GeneDx Variant Classification (06012015). Collection method: clinical testing. Allele origin: germline. Affected: yes.
Comment: A variant of uncertain significance has been identified in the SPTAN1 gene. The A550S variant has not been published as a pathogenic variant, nor has it been reported as a benign variant to our knowledge. The A550S variant is observed in 2/10402 (0.02%) alleles from individuals of African background (Lek et al., 2016). The A550S variant is a non-conservative amino acid substitution, which is likely to impact secondary protein structure as these residues differ in polarity, charge, size and/or other properties. This substitution occurs at a position that is conserved across species. In silico analysis predicts this variant is probably damaging to the protein structure/function. Previously reported pathogenic variants in SPTAN1 include in-frame deletions or duplications located within the last four spectrin repeats of the protein, which are essential for dimerization (Saitsu et al., 2010), and the A550 residue is outside this region. Therefore, based on the currently available information, it is unclear whether this variant is a pathogenic variant or a rare benign variant.